The following is an entry in ClinVar:

NM_000709.4(BCKDHA):c.273dup (p.Ser92fs)

Gene: BCKDHA (branched chain keto acid dehydrogenase E1 subunit alpha; plus strand). Cytogenetic location: 19q13.2.
Variant type: Duplication.
Coding change: c.273dup on transcript NM_000709.4 (MANE Select); coding-DNA position 273, one base duplicated (C; older notation c.273dupC).
Protein change: p.Ser92fs; shifts the reading frame from serine 92.
Molecular consequence: frameshift variant.
Genome position (GRCh38, 1-based): chr19:41,410,801, C duplicated; the last of 4 consecutive C bases (chr19:41,410,798-41,410,801); duplicating any one gives the same sequence. VCF-style (leftmost placement, unchanged base first): chr19-41410797-A-AC. GRCh37 (hg19) VCF-style: chr19-41916702-A-AC.
Other names: c.273dup, p.Ser92fs (NM_001164783.2); short protein forms S92fs.
Identifiers: ClinVar variation 4805573 (VCV004805573.1).

ClinVar aggregate classification (germline): Pathogenic (1 of 4 stars; one submission).

Conditions:
Maple syrup urine disease (MSUD). Identifiers: Orphanet 511, MedGen C0024776, MeSH D008375, MONDO:0009563. Disease mechanism: loss of function.

Submission:

Labcorp Genetics (formerly Invitae), Labcorp
Classification: Pathogenic for Maple syrup urine disease. Last evaluated: 2026-01-11. Review status: criteria provided, single submitter. Criteria: Invitae Variant Classification Sherloc (09022015). Collection method: clinical testing. Allele origin: germline.
Comment: This sequence change creates a premature translational stop signal (p.Ser92Glnfs*22) in the BCKDHA gene. It is expected to result in an absent or disrupted protein product. Loss-of-function variants in BCKDHA are known to be pathogenic (PMID: 16786533, 22593002). This variant is not present in population databases (gnomAD no frequency). This variant has not been reported in the literature in individuals affected with BCKDHA-related conditions. For these reasons, this variant has been classified as Pathogenic.

Literature cited by the submitters: PubMed 16786533; PubMed 22593002.